The following is an entry in ClinVar:

NM_000059.4(BRCA2):c.733A>T (p.Arg245Ter)

Gene: BRCA2 (BRCA2 DNA repair associated; plus strand). Cytogenetic location: 13q13.1.
Variant type: single nucleotide variant.
Coding change: c.733A>T on transcript NM_000059.4 (MANE Select); coding-DNA position 733, A replaced by T.
Protein change: p.Arg245Ter; replaces arginine 245 with a stop codon.
Molecular consequence: nonsense.
Genome position (GRCh38, 1-based): chr13:32,330,970, A>T. VCF-style: chr13-32330970-A-T. GRCh37 (hg19) VCF-style: chr13-32905107-A-T.
Other names: short protein forms R245*.
Identifiers: ClinVar variation 52311 (VCV000052311.15), dbSNP rs80358959, ClinGen allele CA025035.
Genomic context (GRCh38, chr13:32,330,970, plus strand): 5'-TTTTTGCAGAATGTGAAAAGCTATTTTTCCAATCATGATGAAAGTCTGAAGAAAAATGAT[A>T]GATTTATCGCTTCTGTGACAGACAGTGAAAACACAAATCAAAGAGAAGCTGCAAGTCATG-3'

ClinVar aggregate classification (germline): Pathogenic. Review status: reviewed by expert panel (3 of 4 stars). 7 submissions from 7 submitters: Pathogenic (1). 6 of the submissions do not count toward it. Last evaluated 2016-09-08.

Conditions:
Hereditary breast ovarian cancer syndrome. Also called: Hereditary breast and ovarian cancer syndrome; Hereditary breast and ovarian cancer; Hereditary breast and ovarian cancer syndrome (HBOC); Breast and ovarian cancer; Hereditary breast and/or ovarian cancer syndrome; BRCA1- and BRCA2-Associated Hereditary Breast and Ovarian Cancer. Identifiers: Orphanet 145, MedGen C0677776, MeSH D061325, MONDO:0003582. Disease mechanism: loss of function.
Hereditary cancer-predisposing syndrome. Also called: Neoplastic Syndromes, Hereditary; Tumor predisposition; Hereditary neoplastic syndrome; Hereditary Cancer Syndrome. Identifiers: Orphanet 140162, MedGen C0027672, MeSH D009386, MONDO:0015356.
BRCA2-related disorder. Also called: BRCA2-related condition; BRCA2-related disorders. Identifiers: MedGen CN239275.
Breast-ovarian cancer, familial, susceptibility to, 2 (BROVCA2). Also called: BRCA2 Hereditary Breast and Ovarian Cancer. Identifiers: Orphanet 145, MedGen C2675520, MONDO:0012933, OMIM 612555. Disease mechanism: loss of function.

Submissions (7):

Evidence-based Network for the Interpretation of Germline Mutant Alleles (ENIGMA)
Classification: Pathogenic for Breast-ovarian cancer, familial, susceptibility to, 2. Last evaluated: 2016-09-08. Review status: reviewed by expert panel. Criteria: ENIGMA BRCA1/2 Classification Criteria (2015). Collection method: curation. Allele origin: germline.
Comment: Variant allele predicted to encode a truncated non-functional protein.

Color Diagnostics, LLC DBA Color Health
Classification: Pathogenic for Hereditary cancer-predisposing syndrome. Last evaluated: 2024-11-13. Review status: criteria provided, single submitter. Criteria: ACMG Guidelines, 2015. Collection method: clinical testing. Allele origin: germline. Not counted in ClinVar's aggregate classification.
Comment: This variant changes 1 nucleotide in exon 9 of the BRCA2 gene, creating a premature translation stop signal. This variant is expected to result in an absent or non-functional protein product. This variant has been reported in a suspected hereditary breast and ovarian cancer family (PMID: 29446198). This variant has not been identified in the general population by the Genome Aggregation Database (gnomAD). Loss of BRCA2 function is a known mechanism of disease. Based on the available evidence, this variant is classified as Pathogenic.

Labcorp Genetics (formerly Invitae), Labcorp
Classification: Pathogenic for Hereditary breast ovarian cancer syndrome. Last evaluated: 2024-02-17. Review status: criteria provided, single submitter. Criteria: Invitae Variant Classification Sherloc (09022015). Collection method: clinical testing. Allele origin: germline. Not counted in ClinVar's aggregate classification.
Comment: This sequence change creates a premature translational stop signal (p.Arg245*) in the BRCA2 gene. It is expected to result in an absent or disrupted protein product. Loss-of-function variants in BRCA2 are known to be pathogenic (PMID: 20104584). This variant is not present in population databases (gnomAD no frequency). This premature translational stop signal has been observed in individual(s) with a personal and/or family history of breast and/or ovarian cancer (PMID: 29446198). ClinVar contains an entry for this variant (Variation ID: 52311). For these reasons, this variant has been classified as Pathogenic.

PreventionGenetics, part of Exact Sciences
Classification: Pathogenic for BRCA2-related condition. Last evaluated: 2023-04-20. Review status: criteria provided, single submitter. Criteria: ACMG Guidelines, 2015. Collection method: clinical testing. Allele origin: germline. Not counted in ClinVar's aggregate classification.
Comment: The BRCA2 c.733A>T variant is predicted to result in premature protein termination (p.Arg245*). This variant was reported in an individual with breast and/or ovarian cancer (Table S1, Rebbeck et al. 2018. PubMed ID: 29446198). This variant has not been reported in a large population database, indicating this variant is rare. It is interpreted as pathogenic in ClinVar. Nonsense variants in BRCA2 are expected to be pathogenic. This variant is interpreted as pathogenic.

GeneDx
Classification: Pathogenic. Last evaluated: 2022-05-20. Review status: criteria provided, single submitter. Criteria: GeneDx Variant Classification Process June 2021. Collection method: clinical testing. Allele origin: germline. Affected: yes. Not counted in ClinVar's aggregate classification.
Comment: Nonsense variant predicted to result in protein truncation or nonsense mediated decay in a gene for which loss of function is a known mechanism of disease; Not observed at significant frequency in large population cohorts (gnomAD); Truncating variants in this gene are considered pathogenic by a well-established clinical consortium and/or database; Has not been previously published as pathogenic or benign to our knowledge; Also known as 961A>T; This variant is associated with the following publications: (PMID: 29446198)

Consortium of Investigators of Modifiers of BRCA1/2 (CIMBA), c/o University of Cambridge
Classification: Pathogenic for Breast-ovarian cancer, familial, susceptibility to, 2. Last evaluated: 2015-10-02. Review status: criteria provided, single submitter. Criteria: CIMBA Mutation Classification guidelines May 2016. Collection method: clinical testing. Allele origin: germline. Not counted in ClinVar's aggregate classification.

Breast Cancer Information Core (BIC) (BRCA2)
Classification: Pathogenic for Breast-ovarian cancer, familial 2. Last evaluated: 2002-06-20. Review status: no assertion criteria provided. Collection method: clinical testing. Allele origin: germline. Affected: yes. Observed: 1 variant allele. Not counted in ClinVar's aggregate classification.

Literature cited by the submitters: PubMed 29446198 (cited by Color Diagnostics, LLC DBA Color Health and Labcorp Genetics (formerly Invitae), Labcorp); PubMed 20104584 (cited by Labcorp Genetics (formerly Invitae), Labcorp).